The following is an entry in ClinVar:

NM_014208.3(DSPP):c.338C>T (p.Thr113Ile)

Genes: DMP1-AS1 (DMP1 and DSPP antisense RNA 1; minus strand), DSPP (dentin sialophosphoprotein; plus strand). Cytogenetic location: 4q22.1.
Variant type: single nucleotide variant.
Coding change: c.338C>T on transcript NM_014208.3 (MANE Select); coding-DNA position 338, C replaced by T.
Protein change: p.Thr113Ile; replaces threonine 113 with isoleucine.
Molecular consequence: missense variant.
Genome position (GRCh38, 1-based): chr4:87,612,524, C>T. VCF-style: chr4-87612524-C-T. GRCh37 (hg19) VCF-style: chr4-88533676-C-T.
Other names: short protein forms T113I.
Identifiers: ClinVar variation 2800110 (VCV002800110.3), dbSNP rs758523060, ClinGen allele CA3000874.
Genomic context (GRCh38, chr4:87,612,524, plus strand): 5'-TTTCTACATATTCCACATTAGCAAACGAAGAGGGGAATATTGAGGGCTGGAATGGGGACA[C>T]AGGAAAAGCAGAAACATATGGTCATGATGGAATACATGGGAAAGAAGAAAACATCACAGC-3'
Protein context (NP_055023.2, residues 103-123): EGNIEGWNGD[Thr113Ile]GKAETYGHDG

ClinVar aggregate classification (germline): Uncertain significance (1 of 4 stars; one submission).

Allele frequency attached by ClinVar (database versions not stated): TOPMed below 0.00001; gnomAD 0.00002; ExAC 0.00005.
gnomAD v4.1: 33 of 1,613,790 alleles (0.002%); highest among the groups gnomAD compares: South Asian, 0.035%; no homozygotes.

Submission:

Labcorp Genetics (formerly Invitae), Labcorp
Classification: Uncertain significance. Last evaluated: 2023-09-08. Review status: criteria provided, single submitter. Criteria: Invitae Variant Classification Sherloc (09022015). Collection method: clinical testing. Allele origin: germline.
Comment: In summary, the available evidence is currently insufficient to determine the role of this variant in disease. Therefore, it has been classified as a Variant of Uncertain Significance. This variant has not been reported in the literature in individuals affected with DSPP-related conditions. Algorithms developed to predict the effect of missense changes on protein structure and function output the following: SIFT: "Not Available"; PolyPhen-2: "Possibly Damaging"; Align-GVGD: "Not Available". The isoleucine amino acid residue is found in multiple mammalian species, which suggests that this missense change does not adversely affect protein function. This sequence change replaces threonine, which is neutral and polar, with isoleucine, which is neutral and non-polar, at codon 113 of the DSPP protein (p.Thr113Ile). This variant is present in population databases (rs758523060, gnomAD 0.02%).